The following is an entry in ClinVar:

NM_018089.3(ANKZF1):c.1966G>C (p.Glu656Gln)

Gene: ANKZF1 (ankyrin repeat and zinc finger peptidyl tRNA hydrolase 1; plus strand). Cytogenetic location: 2q35.
Variant type: single nucleotide variant.
Coding change: c.1966G>C on transcript NM_018089.3 (MANE Select); coding-DNA position 1966, G replaced by C.
Protein change: p.Glu656Gln; replaces glutamic acid 656 with glutamine.
Molecular consequence: missense variant.
Genome position (GRCh38, 1-based): chr2:219,235,870, G>C. VCF-style: chr2-219235870-G-C. GRCh37 (hg19) VCF-style: chr2-220100592-G-C.
Other names: c.1966G>C, p.Glu656Gln (NM_001042410.2); c.1336G>C, p.Glu446Gln (NM_001282792.2); short protein forms E446Q, E656Q.
Identifiers: ClinVar variation 3683147 (VCV003683147.2).
Genomic context (GRCh38, chr2:219,235,870, plus strand): 5'-CAGGAGCAGGAGGAGCGTGAACGAGAAGAGCAGCGGCGATTTGCCGCCCTCAGTGACCGA[G>C]AGAAGGTGAGGCTGGAGGTTCTCTTGTCCATGGCAAGGCTTCCTAGAGGTCTAACCCCTT-3'
Protein context (NP_060559.2, residues 646-666): QRRFAALSDR[Glu656Gln]KRALAAERRL

ClinVar aggregate classification (germline): Uncertain significance (1 of 4 stars; one submission).

Submission:

Labcorp Genetics (formerly Invitae), Labcorp
Classification: Uncertain significance. Last evaluated: 2024-03-18. Review status: criteria provided, single submitter. Criteria: Invitae Variant Classification Sherloc (09022015). Collection method: clinical testing. Allele origin: germline.
Comment: This sequence change replaces glutamic acid, which is acidic and polar, with glutamine, which is neutral and polar, at codon 656 of the ANKZF1 protein (p.Glu656Gln). This variant is not present in population databases (gnomAD no frequency). This variant has not been reported in the literature in individuals affected with ANKZF1-related conditions. An algorithm developed to predict the effect of missense changes on protein structure and function (PolyPhen-2) suggests that this variant is likely to be disruptive. In summary, the available evidence is currently insufficient to determine the role of this variant in disease. Therefore, it has been classified as a Variant of Uncertain Significance.